The following is an entry in ClinVar:

ClinVar aggregate classification (germline): Uncertain significance. Review status: criteria provided, multiple submitters, no conflicts (2 of 4 stars). 2 submissions from 2 submitters: Uncertain significance (2). Last evaluated 2025-09-02.

gnomAD v4.1: 2 of 1,477,178 alleles (0.00014%); highest among the groups gnomAD compares: Non-Finnish European, 0.00018%; no homozygotes.

Submissions (2):

Labcorp Genetics (formerly Invitae), Labcorp
Classification: Uncertain significance. Last evaluated: 2025-09-02. Review status: criteria provided, single submitter. Criteria: Invitae Variant Classification Sherloc (09022015). Collection method: clinical testing. Allele origin: germline.
Comment: This sequence change replaces isoleucine, which is neutral and non-polar, with threonine, which is neutral and polar, at codon 62 of the MRAS protein (p.Ile62Thr). This variant is not present in population databases (gnomAD no frequency). This variant has not been reported in the literature in individuals affected with MRAS-related conditions. ClinVar contains an entry for this variant (Variation ID: 3896507). An algorithm developed to predict the effect of missense changes on protein structure and function (PolyPhen-2) suggests that this variant is likely to be disruptive. In summary, the available evidence is currently insufficient to determine the role of this variant in disease. Therefore, it has been classified as a Variant of Uncertain Significance.

Women's Health and Genetics/Laboratory Corporation of America, LabCorp
Classification: Uncertain significance. Last evaluated: 2025-04-03. Review status: criteria provided, single submitter. Criteria: LabCorp Variant Classification Summary - May 2015. Collection method: clinical testing. Allele origin: germline.

NM_001085049.3(MRAS):c.185T>C (p.Ile62Thr)

Gene: MRAS (muscle RAS oncogene homolog; plus strand). Cytogenetic location: 3q22.3.
Variant type: single nucleotide variant.
Coding change: c.185T>C on transcript NM_001085049.3 (MANE Select); coding-DNA position 185, T replaced by C.
Protein change: p.Ile62Thr; replaces isoleucine 62 with threonine.
Molecular consequence: missense variant. On other transcripts: intron variant (3).
Genome position (GRCh38, 1-based): chr3:138,373,068, T>C. VCF-style: chr3-138373068-T-C. GRCh37 (hg19) VCF-style: chr3-138091910-T-C.
Other names: c.185T>C, p.Ile62Thr (NM_001252090.2, NM_012219.4); c.-35-24256T>C (NM_001252091.1, NM_001252093.2); c.-36+24036T>C (NM_001252092.2); short protein forms I62T.
Identifiers: ClinVar variation 3896507 (VCV003896507.3).